The following is an entry in ClinVar:

NM_003105.6(SORL1):c.6112C>G (p.His2038Asp)

Gene: SORL1 (sortilin related receptor 1; plus strand). Cytogenetic location: 11q24.1.
Variant type: single nucleotide variant.
Coding change: c.6112C>G on transcript NM_003105.6 (MANE Select); coding-DNA position 6112, C replaced by G.
Protein change: p.His2038Asp; replaces histidine 2038 with aspartic acid.
Molecular consequence: missense variant.
Genome position (GRCh38, 1-based): chr11:121,622,209, C>G. VCF-style: chr11-121622209-C-G. GRCh37 (hg19) VCF-style: chr11-121492918-C-G.
Other names: short protein forms H2038D.
Identifiers: ClinVar variation 1438026 (VCV001438026.6), dbSNP rs146761517, ClinGen allele CA6330179.

ClinVar aggregate classification (germline): Uncertain significance (1 of 4 stars; one submission).

Allele frequency attached by ClinVar (database versions not stated): ExAC 0.00003; gnomAD exomes 0.00004 and 0.00005; TOPMed 0.00007; gnomAD 0.00009; 1000 Genomes Project 0.00020; ESP Exome Variant Server 0.00023; 1000 Genomes Project 30x 0.00031.
gnomAD v4.1: 75 of 1,612,670 alleles (0.0047%); highest among the groups gnomAD compares: Middle Eastern, 0.033%; no homozygotes.

Submission:

Labcorp Genetics (formerly Invitae), Labcorp
Classification: Uncertain significance. Last evaluated: 2024-03-09. Review status: criteria provided, single submitter. Criteria: Invitae Variant Classification Sherloc (09022015). Collection method: clinical testing. Allele origin: germline.
Comment: This sequence change replaces histidine, which is basic and polar, with aspartic acid, which is acidic and polar, at codon 2038 of the SORL1 protein (p.His2038Asp). This variant is present in population databases (rs146761517, gnomAD 0.01%). This missense change has been observed in individual(s) with Alzheimer disease (PMID: 27026413, 28537274, 35457051). ClinVar contains an entry for this variant (Variation ID: 1438026). An algorithm developed to predict the effect of missense changes on protein structure and function (PolyPhen-2) suggests that this variant is likely to be disruptive. In summary, the available evidence is currently insufficient to determine the role of this variant in disease. Therefore, it has been classified as a Variant of Uncertain Significance.

Literature cited by the submitters: PubMed 27026413; PubMed 28537274; PubMed 35457051.